The following is an entry in ClinVar:

ClinVar aggregate classification (germline): Uncertain significance. Review status: criteria provided, multiple submitters, no conflicts (2 of 4 stars). 3 submissions from 3 submitters: Uncertain significance (3). Last evaluated 2025-06-30.

Conditions:
Tumor predisposition syndrome 3 (TPDS3). Also called: Melanoma, cutaneous malignant, susceptibility to, 10; LONG TELOMERE SYNDROME, POT1-RELATED; POT1 Tumor Predisposition; Glioma susceptibility 9. Identifiers: Orphanet 618, MedGen C4014476, MONDO:0014368, OMIM 615848.
Hereditary cancer-predisposing syndrome. Also called: Tumor predisposition; Neoplastic Syndromes, Hereditary; Hereditary neoplastic syndrome; Hereditary Cancer Syndrome. Identifiers: Orphanet 140162, MedGen C0027672, MeSH D009386, MONDO:0015356.

Allele frequency attached by ClinVar (database versions not stated): gnomAD exomes below 0.00001.
gnomAD v4.1: 2 of 1,609,080 alleles (0.00012%); highest among the groups gnomAD compares: Non-Finnish European, 0.00017%; no homozygotes.

Submissions (3):

Labcorp Genetics (formerly Invitae), Labcorp
Classification: Uncertain significance for Tumor predisposition syndrome 3. Last evaluated: 2025-06-30. Review status: criteria provided, single submitter. Criteria: Invitae Variant Classification Sherloc (09022015). Collection method: clinical testing. Allele origin: germline.
Comment: This sequence change replaces methionine, which is neutral and non-polar, with threonine, which is neutral and polar, at codon 589 of the POT1 protein (p.Met589Thr). This variant is present in population databases (no rsID available, gnomAD 0.0009%). This variant has not been reported in the literature in individuals affected with POT1-related conditions. ClinVar contains an entry for this variant (Variation ID: 577917). Invitae Evidence Modeling of protein sequence and biophysical properties (such as structural, functional, and spatial information, amino acid conservation, physicochemical variation, residue mobility, and thermodynamic stability) indicates that this missense variant is not expected to disrupt POT1 protein function with a negative predictive value of 80%. In summary, the available evidence is currently insufficient to determine the role of this variant in disease. Therefore, it has been classified as a Variant of Uncertain Significance.

Ambry Genetics
Classification: Uncertain significance for Hereditary cancer-predisposing syndrome. Last evaluated: 2024-10-14. Review status: criteria provided, single submitter. Criteria: Ambry Variant Classification Scheme 2023. Collection method: clinical testing. Allele origin: germline.
Comment: The p.M589T variant (also known as c.1766T>C), located in coding exon 14 of the POT1 gene, results from a T to C substitution at nucleotide position 1766. The methionine at codon 589 is replaced by threonine, an amino acid with similar properties. This amino acid position is conserved. In addition, this alteration is predicted to be tolerated by in silico analysis. Since supporting evidence is limited at this time, the clinical significance of this alteration remains unclear.

GeneDx
Classification: Uncertain significance. Last evaluated: 2024-04-04. Review status: criteria provided, single submitter. Criteria: GeneDx Variant Classification Process June 2021. Collection method: clinical testing. Allele origin: germline. Affected: yes.
Comment: Not observed at significant frequency in large population cohorts (gnomAD); In silico analysis indicates that this missense variant does not alter protein structure/function; Has not been previously published as pathogenic or benign to our knowledge; This variant is associated with the following publications: (PMID: 28393830)

NM_015450.3(POT1):c.1766T>C (p.Met589Thr)

Gene: POT1 (protection of telomeres 1; minus strand). Cytogenetic location: 7q31.33.
Variant type: single nucleotide variant.
Coding change: c.1766T>C on transcript NM_015450.3 (MANE Select); coding-DNA position 1766, T replaced by C.
Protein change: p.Met589Thr; replaces methionine 589 with threonine.
Molecular consequence: missense variant. On other transcripts: non-coding transcript variant (3).
Genome position (GRCh38, 1-based): chr7:124,825,278, A>G on the plus strand (T>C on the coding strand, the complement: POT1 is on the minus strand). VCF-style: chr7-124825278-A-G. GRCh37 (hg19) VCF-style: chr7-124465332-A-G.
Other names: c.1373T>C, p.Met458Thr (NM_001042594.2); short protein forms M589T, M458T.
Identifiers: ClinVar variation 577917 (VCV000577917.13), dbSNP rs1375637075, ClinGen allele CA369062194.